The following is an entry in ClinVar:

NM_144997.7(FLCN):c.841G>A (p.Asp281Asn)

Gene: FLCN (folliculin; minus strand). Cytogenetic location: 17p11.2.
Variant type: single nucleotide variant.
Coding change: c.841G>A on transcript NM_144997.7 (MANE Select); coding-DNA position 841, G replaced by A.
Protein change: p.Asp281Asn; replaces aspartic acid 281 with asparagine.
Molecular consequence: missense variant.
Genome position (GRCh38, 1-based): chr17:17,221,567, C>T on the plus strand (G>A on the coding strand, the complement: FLCN is on the minus strand). VCF-style: chr17-17221567-C-T. GRCh37 (hg19) VCF-style: chr17-17124881-C-T.
Other names: c.895G>A, p.Asp299Asn (NM_001353229.2); c.841G>A, p.Asp281Asn (NM_001353230.2, NM_001353231.2, NM_144606.7); short protein forms D281N, D299N.
Identifiers: ClinVar variation 1004573 (VCV001004573.5), dbSNP rs2047090106, ClinGen allele CA398533678.

ClinVar aggregate classification (germline): Uncertain significance (1 of 4 stars; one submission).

Conditions:
Birt-Hogg-Dube syndrome. Also called: Birt Hogg Dubé syndrome. Identifiers: Orphanet 122, MedGen C0346010, MONDO:0800444.

Submission:

Labcorp Genetics (formerly Invitae), Labcorp
Classification: Uncertain significance for Birt-Hogg-Dube syndrome. Last evaluated: 2020-07-23. Review status: criteria provided, single submitter. Criteria: Invitae Variant Classification Sherloc (09022015). Collection method: clinical testing. Allele origin: germline.
Comment: This variant has not been reported in the literature in individuals with FLCN-related conditions. This variant is not present in population databases (ExAC no frequency). This sequence change replaces aspartic acid with asparagine at codon 281 of the FLCN protein (p.Asp281Asn). The aspartic acid residue is highly conserved and there is a small physicochemical difference between aspartic acid and asparagine. Algorithms developed to predict the effect of missense changes on protein structure and function are either unavailable or do not agree on the potential impact of this missense change (SIFT: "Deleterious"; PolyPhen-2: "Possibly Damaging"; Align-GVGD: "Class C0"). In summary, the available evidence is currently insufficient to determine the role of this variant in disease. Therefore, it has been classified as a Variant of Uncertain Significance.